The following is an entry in ClinVar:

NM_001098426.2(SMARCD2):c.217-1002C>T

Gene: SMARCD2 (SWI/SNF related BAF chromatin remodeling complex subunit D2; minus strand). Cytogenetic location: 17q23.3.
Variant type: single nucleotide variant.
Coding change: c.217-1002C>T on transcript NM_001098426.2 (MANE Select); 1002 bases into the intron before coding-DNA position 217, C replaced by T.
Molecular consequence: intron variant. On other transcripts: nonsense (1).
Genome position (GRCh38, 1-based): chr17:63,838,627, G>A on the plus strand (C>T on the coding strand, the complement: SMARCD2 is on the minus strand). VCF-style: chr17-63838627-G-A. GRCh37 (hg19) VCF-style: chr17-61915987-G-A.
Other names: c.55C>T, p.Gln19Ter (NM_001330440.2); c.-9-1002C>T (NM_001330439.1); short protein forms Q19*.
Identifiers: ClinVar variation 4880073 (VCV004880073.1).

ClinVar aggregate classification (germline): Uncertain significance (1 of 4 stars; one submission).

Conditions:
Primary ciliary dyskinesia. Also called: Ciliary dyskinesia. Identifiers: Orphanet 244, MedGen C0008780, MONDO:0016575, HP:0012265.

Submission:

Department of Human Genetics, Hannover Medical School
Classification: Uncertain significance for Primary Ciliary Dyskinesia. Last evaluated: 2026-04-01. Review status: criteria provided, single submitter. Criteria: ACMG Guidelines, 2015. Collection method: research. Allele origin: germline. Affected: no.
Comment: Classification performed by HerediClassify using the following criteria:['PVS1_protein_strong: Transcript ENST00000323347 is not predicted to undergo NMD. Protein length change of 0.9627329192546584 observed.']